The following is an entry in ClinVar:

NM_000202.8(IDS):c.832_833insATGTTTAAGGGAAG (p.Ala278delinsAspValTer)

Genes: IDS (iduronate 2-sulfatase; minus strand), LOC106050102 (IDS recombination region; plus strand). Cytogenetic location: Xq28.
Variant type: Insertion.
Coding change: c.832_833insATGTTTAAGGGAAG on transcript NM_000202.8 (MANE Select); coding-DNA positions 832 to 833, ATGTTTAAGGGAAG inserted.
Protein change: p.Ala278delinsAspValTer.
Molecular consequence: nonsense. On other transcripts: non-coding transcript variant (1).
Genome position: GRCh38 VCF-style: chrX-149496392-G-GCTTCCCTTAAACAT. GRCh37 (hg19) VCF-style: chrX-148577923-G-GCTTCCCTTAAACAT.
Other names: c.832_833insATGTTTAAGGGAAG (NM_000202.4); c.562_563insATGTTTAAGGGAAG, p.Ala188delinsAspValTer (NM_001166550.4); c.832_833insATGTTTAAGGGAAG, p.Ala278delinsAspValTer (NM_006123.5).
Identifiers: ClinVar variation 198059 (VCV000198059.6), dbSNP rs797044770, ClinGen allele CA275337.

ClinVar aggregate classification (germline): Pathogenic/Likely pathogenic. Review status: criteria provided, multiple submitters, no conflicts (2 of 4 stars). 2 submissions from 2 submitters: Pathogenic (1); Likely pathogenic (1). Last evaluated 2025-07-24.

Submissions (2):

GeneDx
Classification: Likely pathogenic. Last evaluated: 2025-07-24. Review status: criteria provided, single submitter. Criteria: GeneDx Variant Classification Process June 2021. Collection method: clinical testing. Allele origin: germline. Affected: yes.
Comment: Reported in a patient with severe mucopolysaccharidosis type II in published literature (PMID: 7887413); Frameshift variant predicted to result in protein truncation or nonsense mediated decay in a gene for which loss of function is a known mechanism of disease; Not observed at significant frequency in large population cohorts (gnomAD); This variant is associated with the following publications: (PMID: 7887413)

Eurofins Ntd Llc (ga)
Classification: Pathogenic. Last evaluated: 2014-05-23. Review status: criteria provided, single submitter. Criteria: EGL Classification Definitions 2015. Collection method: clinical testing. Allele origin: germline. Observed: 1 variant allele, 1 heterozygote.

Literature cited by the submitters: PubMed 7887413 (cited by Eurofins Ntd Llc (ga)).